The following is an entry in ClinVar:

NM_014141.6(CNTNAP2):c.2632A>G (p.Asn878Asp)

Gene: CNTNAP2 (contactin associated protein 2; plus strand). Cytogenetic location: 7q35.
Variant type: single nucleotide variant.
Coding change: c.2632A>G on transcript NM_014141.6 (MANE Select); coding-DNA position 2632, A replaced by G.
Protein change: p.Asn878Asp; replaces asparagine 878 with aspartic acid.
Molecular consequence: missense variant.
Genome position (GRCh38, 1-based): chr7:148,147,568, A>G. VCF-style: chr7-148147568-A-G. GRCh37 (hg19) VCF-style: chr7-147844660-A-G.
Other names: p.N878D:AAC>GAC; short protein forms N878D.
Identifiers: ClinVar variation 205269 (VCV000205269.8), dbSNP rs375538831, ClinGen allele CA314172.

ClinVar aggregate classification (germline): Uncertain significance. Review status: criteria provided, multiple submitters, no conflicts (2 of 4 stars). 2 submissions from 2 submitters: Uncertain significance (2). Last evaluated 2024-05-15.

Conditions:
Cortical dysplasia-focal epilepsy syndrome (PTHSL1). Also called: Pitt-Hopkins-like syndrome 1. Identifiers: Orphanet 163681, Orphanet 221150, MedGen C2750246, MONDO:0012400, OMIM 610042.

Allele frequency attached by ClinVar (database versions not stated): gnomAD 0.00001; gnomAD exomes 0.00001; TOPMed 0.00001; ESP Exome Variant Server 0.00008.

Submissions (2):

Labcorp Genetics (formerly Invitae), Labcorp
Classification: Uncertain significance for Cortical dysplasia-focal epilepsy syndrome. Last evaluated: 2024-05-15. Review status: criteria provided, single submitter. Criteria: Invitae Variant Classification Sherloc (09022015). Collection method: clinical testing. Allele origin: germline.
Comment: This sequence change replaces asparagine, which is neutral and polar, with aspartic acid, which is acidic and polar, at codon 878 of the CNTNAP2 protein (p.Asn878Asp). This variant is present in population databases (rs375538831, gnomAD 0.007%). This variant has not been reported in the literature in individuals affected with CNTNAP2-related conditions. ClinVar contains an entry for this variant (Variation ID: 205269). An algorithm developed to predict the effect of missense changes on protein structure and function (PolyPhen-2) suggests that this variant is likely to be disruptive. In summary, the available evidence is currently insufficient to determine the role of this variant in disease. Therefore, it has been classified as a Variant of Uncertain Significance.

GeneDx
Classification: Uncertain significance. Last evaluated: 2014-02-20. Review status: criteria provided, single submitter. Criteria: GeneDx Variant Classification (06012015). Collection method: clinical testing. Allele origin: germline. Affected: yes.
Comment: p.Asn878Asp (AAC>GAC): c.2632 A>G in exon 17 of the CNTNAP2 gene (NM_014141.5). The Asn878Asp variant has not been published as a mutation, nor has it been reported as a benign polymorphism to our knowledge. The Asn878Asp variant is a semi-conservative amino acid substitution, which may impact secondary protein structure as these residues differ in some properties. This substitution occurs at a position that is conserved across species in the laminin G-Like 3 domain of the CNTNAP2 protein. However, in silico analysis is inconsistent in its predictions as to whether or not the variant is damaging to the protein structure/function. Therefore, based on the currently available information, it is unclear whether this variant is a pathogenic mutation or a rare benign variant. The variant is found in EPILEPSY panel(s).